The following is an entry in ClinVar:

ClinVar aggregate classification (germline): Benign. Review status: criteria provided, multiple submitters, no conflicts (2 of 4 stars). 3 submissions from 3 submitters: Benign (2). 1 of the submissions does not count toward it. Last evaluated 2018-01-13.

Conditions:
MTAP-related disorder. Also called: MTAP-related condition.
Diaphyseal medullary stenosis-bone malignancy syndrome. Also called: MYOPATHY, LIMB-GIRDLE, WITH BONE FRAGILITY; BONE DYSPLASIA WITH MALIGNANT FIBROUS HISTIOCYTOMA; BONE DYSPLASIA WITH MEDULLARY FIBROSARCOMA. Identifiers: Orphanet 85182, MedGen C1862177, MONDO:0007205, OMIM 112250.

Allele frequency attached by ClinVar (database versions not stated): gnomAD 0.00026 and 0.00035; gnomAD exomes 0.00026 and 0.00104; TOPMed 0.00074; 1000 Genomes Project 30x 0.00078; ExAC 0.00090; 1000 Genomes Project 0.00100.
gnomAD v4.1: 423 of 1,607,808 alleles (0.026%); highest among the groups gnomAD compares: East Asian, 0.91%; 7 homozygotes.

Submissions (3):

Illumina Laboratory Services, Illumina
Classification: Benign for Diaphyseal medullary stenosis-bone malignancy syndrome. Last evaluated: 2018-01-13. Review status: criteria provided, single submitter. Criteria: ICSL Variant Classification Criteria 13 December 2019. Collection method: clinical testing. Allele origin: germline.
Comment: This variant was observed in the ICSL laboratory as part of a predisposition screen in an ostensibly healthy population. It had not been previously curated by ICSL or reported in the Human Gene Mutation Database (HGMD: prior to June 1st, 2018), and was therefore a candidate for classification through an automated scoring system. Utilizing variant allele frequency, disease prevalence and penetrance estimates, and inheritance mode, an automated score was calculated to assess if this variant is too frequent to cause the disease. Based on the score and internal cut-off values, a variant classified as benign is not then subjected to further curation. The score for this variant resulted in a classification of benign for this disease.

Breakthrough Genomics
Classification: Benign. Review status: criteria provided, single submitter. Criteria: ACMG Guidelines, 2015. Collection method: not provided. Allele origin: germline. Inheritance: Autosomal dominant inheritance. Affected: yes.

PreventionGenetics, part of Exact Sciences
Classification: Benign for MTAP-related condition. Last evaluated: 2019-03-25. Review status: no assertion criteria provided. Collection method: clinical testing. Allele origin: germline. Not counted in ClinVar's aggregate classification.
Comment: This variant is classified as benign based on ACMG/AMP sequence variant interpretation guidelines (Richards et al. 2015 PMID: 25741868, with internal and published modifications).

NM_002451.4(MTAP):c.121-10T>C

Gene: MTAP (methylthioadenosine phosphorylase; plus strand). Cytogenetic location: 9p21.3.
Variant type: single nucleotide variant.
Coding change: c.121-10T>C on transcript NM_002451.4 (MANE Select); 10 bases into the intron before coding-DNA position 121, T replaced by C.
Molecular consequence: intron variant.
Genome position (GRCh38, 1-based): chr9:21,816,704, T>C. VCF-style: chr9-21816704-T-C. GRCh37 (hg19) VCF-style: chr9-21816703-T-C.
Identifiers: ClinVar variation 366237 (VCV000366237.8), dbSNP rs201864201, ClinGen allele CA5011743.